The following is an entry in ClinVar:

NM_153717.3(EVC):c.1336G>T (p.Asp446Tyr)

Gene: EVC (EvC ciliary complex subunit 1; plus strand). Cytogenetic location: 4p16.2.
Variant type: single nucleotide variant.
Coding change: c.1336G>T on transcript NM_153717.3 (MANE Select); coding-DNA position 1336, G replaced by T.
Protein change: p.Asp446Tyr; replaces aspartic acid 446 with tyrosine.
Molecular consequence: missense variant.
Genome position (GRCh38, 1-based): chr4:5,753,805, G>T. VCF-style: chr4-5753805-G-T. GRCh37 (hg19) VCF-style: chr4-5755532-G-T.
Other names: c.1336G>T, p.Asp446Tyr (NM_001306090.2, NM_001306092.2); short protein forms D446Y.
Identifiers: ClinVar variation 2928625 (VCV002928625.3), dbSNP rs1286504042, ClinGen allele CA356155748.

ClinVar aggregate classification (germline): Uncertain significance (1 of 4 stars; one submission).

Conditions:
Curry-Hall syndrome (WAD). Also called: WEYERS ACRODENTAL DYSOSTOSIS. Identifiers: Orphanet 952, MedGen C0457013, MONDO:0008673, OMIM 193530.
Ellis-van Creveld syndrome (EVC). Also called: EVC-Related Ellis-van Creveld Syndrome; EVC2-Related Ellis-van Creveld Syndrome; MESOECTODERMAL DYSPLASIA; Chondroectodermal dysplasia. Identifiers: Orphanet 289, MedGen C0013903, MONDO:0009162, OMIM 225500.

Allele frequency attached by ClinVar (database versions not stated): gnomAD exomes below 0.00001.
gnomAD v4.1: 2 of 1,614,172 alleles (0.00012%); highest among the groups gnomAD compares: Non-Finnish European, 0.00017%; no homozygotes.

Submission:

Labcorp Genetics (formerly Invitae), Labcorp
Classification: Uncertain significance for Curry-Hall syndrome; Ellis-van Creveld syndrome. Last evaluated: 2023-05-01. Review status: criteria provided, single submitter. Criteria: Invitae Variant Classification Sherloc (09022015). Collection method: clinical testing. Allele origin: germline.
Comment: This sequence change replaces aspartic acid, which is acidic and polar, with tyrosine, which is neutral and polar, at codon 446 of the EVC protein (p.Asp446Tyr). This variant is present in population databases (no rsID available, gnomAD 0.0009%). This variant has not been reported in the literature in individuals affected with EVC-related conditions. Advanced modeling of protein sequence and biophysical properties (such as structural, functional, and spatial information, amino acid conservation, physicochemical variation, residue mobility, and thermodynamic stability) performed at Invitae indicates that this missense variant is expected to disrupt EVC protein function. In summary, the available evidence is currently insufficient to determine the role of this variant in disease. Therefore, it has been classified as a Variant of Uncertain Significance.